The following is an entry in ClinVar:

NM_001142864.4(PIEZO1):c.810G>A (p.Leu270=)

Genes: HSALR1 (HSP90AB1 associated lncRNA 1; plus strand), PIEZO1 (piezo type mechanosensitive ion channel component 1 (Er blood group); minus strand). Cytogenetic location: 16q24.3.
Variant type: single nucleotide variant.
Coding change: c.810G>A on transcript NM_001142864.4 (MANE Select); coding-DNA position 810, G replaced by A.
Protein change: p.Leu270=; no amino-acid change (leucine 270 retained).
Molecular consequence: synonymous variant. On other transcripts: non-coding transcript variant (1).
Genome position (GRCh38, 1-based): chr16:88,738,265, C>T on the plus strand (G>A on the coding strand, the complement: PIEZO1 is on the minus strand). VCF-style: chr16-88738265-C-T. GRCh37 (hg19) VCF-style: chr16-88804673-C-T.
Other names: p.Leu270=.
Identifiers: ClinVar variation 4684159 (VCV004684159.1).

ClinVar aggregate classification (germline): Likely benign (1 of 4 stars; one submission).

gnomAD v4.1: 8 of 1,535,886 alleles (0.00052%); highest among the groups gnomAD compares: Non-Finnish European, 0.0007%; no homozygotes.

Submission:

Mayo Clinic Laboratories, Mayo Clinic
Classification: Likely benign. Last evaluated: 2025-12-07. Review status: criteria provided, single submitter. Criteria: ACMG Guidelines, 2015. Collection method: clinical testing. Allele origin: germline. Observed: 1 variant allele.
Comment: BP4, BP7, PM2_supporting